The following is an entry in ClinVar:

ClinVar aggregate classification (germline): Uncertain significance. Review status: criteria provided, multiple submitters, no conflicts (2 of 4 stars). 2 submissions from 2 submitters: Uncertain significance (2). Last evaluated 2022-08-29.

Conditions:
Leber congenital amaurosis 1 (LCA1). Also called: RETINAL BLINDNESS, CONGENITAL; AMAUROSIS CONGENITA OF LEBER I; Congenital absence of the rods and cones; Leber's congenital tapetoretinal degeneration; Leber's congenital tapetoretinal dysplasia. Identifiers: Orphanet 65, MedGen C2931258, MONDO:0008764, OMIM 204000.
Cone-rod dystrophy 6 (CORD6). Also called: RETINAL CONE DYSTROPHY 2; Cone dystrophy progressive. Identifiers: Orphanet 1872, MedGen C1866293, MONDO:0011143, OMIM 601777.

Allele frequency attached by ClinVar (database versions not stated): TOPMed below 0.00001.
gnomAD v4.1: 7 of 1,611,124 alleles (0.00043%); highest among the groups gnomAD compares: Non-Finnish European, 0.00059%; no homozygotes.

Submissions (2):

Labcorp Genetics (formerly Invitae), Labcorp
Classification: Uncertain significance for Leber congenital amaurosis 1; Cone-rod dystrophy 6. Last evaluated: 2022-08-29. Review status: criteria provided, single submitter. Criteria: Invitae Variant Classification Sherloc (09022015). Collection method: clinical testing. Allele origin: germline.
Comment: This sequence change replaces serine, which is neutral and polar, with arginine, which is basic and polar, at codon 549 of the GUCY2D protein (p.Ser549Arg). This variant is not present in population databases (gnomAD no frequency). This variant has not been reported in the literature in individuals affected with GUCY2D-related conditions. Algorithms developed to predict the effect of missense changes on protein structure and function (SIFT, PolyPhen-2, Align-GVGD) all suggest that this variant is likely to be tolerated. In summary, the available evidence is currently insufficient to determine the role of this variant in disease. Therefore, it has been classified as a Variant of Uncertain Significance.

Blueprint Genetics
Classification: Uncertain significance. Last evaluated: 2021-11-24. Review status: criteria provided, single submitter. Criteria: ACMG Guidelines, 2015. Collection method: clinical testing. Allele origin: germline.

NM_000180.4(GUCY2D):c.1647C>A (p.Ser549Arg)

Gene: GUCY2D (guanylate cyclase 2D, retinal; plus strand). Cytogenetic location: 17p13.1.
Variant type: single nucleotide variant.
Coding change: c.1647C>A on transcript NM_000180.4 (MANE Select); coding-DNA position 1647, C replaced by A.
Protein change: p.Ser549Arg; replaces serine 549 with arginine.
Molecular consequence: missense variant.
Genome position (GRCh38, 1-based): chr17:8,008,011, C>A. VCF-style: chr17-8008011-C-A. GRCh37 (hg19) VCF-style: chr17-7911329-C-A.
Other names: short protein forms S549R.
Identifiers: ClinVar variation 1905398 (VCV001905398.3), dbSNP rs748509676, ClinGen allele CA287526028.
Genomic context (GRCh38, chr17:8,008,011, plus strand): 5'-AAGTCTGGGTGCCCGCAGCATGTCAGACATTCGCAGCGGCCCCAGCCAACACTTGGACAG[C>A]CCCAACATTGGTGTCTATGAGGTGAGCCTGACCCCAGCCAGACAGAGAGACAGTGGGGGA-3'
Protein context (NP_000171.1, residues 539-559): IRSGPSQHLD[Ser549Arg]PNIGVYEGDR